The following is an entry in ClinVar:

ClinVar aggregate classification (germline): Uncertain significance (1 of 4 stars; one submission).

Allele frequency attached by ClinVar (database versions not stated): gnomAD exomes below 0.00001.
gnomAD v4.1: 1 of 1,614,048 alleles (0.000062%); highest among the groups gnomAD compares: Non-Finnish European, 0.000085%; no homozygotes.

Submission:

Labcorp Genetics (formerly Invitae), Labcorp
Classification: Uncertain significance. Last evaluated: 2022-04-04. Review status: criteria provided, single submitter. Criteria: Invitae Variant Classification Sherloc (09022015). Collection method: clinical testing. Allele origin: germline.
Comment: In summary, the available evidence is currently insufficient to determine the role of this variant in disease. Therefore, it has been classified as a Variant of Uncertain Significance. Advanced modeling of protein sequence and biophysical properties (such as structural, functional, and spatial information, amino acid conservation, physicochemical variation, residue mobility, and thermodynamic stability) performed at Invitae indicates that this missense variant is expected to disrupt TPP1 protein function. This variant has not been reported in the literature in individuals affected with TPP1-related conditions. This variant is not present in population databases (gnomAD no frequency). This sequence change replaces glycine, which is neutral and non-polar, with glutamic acid, which is acidic and polar, at codon 172 of the TPP1 protein (p.Gly172Glu).

NM_000391.4(TPP1):c.515G>A (p.Gly172Glu)

Gene: TPP1 (tripeptidyl peptidase 1; minus strand). Cytogenetic location: 11p15.4.
Variant type: single nucleotide variant.
Coding change: c.515G>A on transcript NM_000391.4 (MANE Select); coding-DNA position 515, G replaced by A.
Protein change: p.Gly172Glu; replaces glycine 172 with glutamic acid.
Molecular consequence: missense variant.
Genome position (GRCh38, 1-based): chr11:6,617,147, C>T on the plus strand (G>A on the coding strand, the complement: TPP1 is on the minus strand). VCF-style: chr11-6617147-C-T. GRCh37 (hg19) VCF-style: chr11-6638378-C-T.
Other names: short protein forms G172E.
Identifiers: ClinVar variation 1905294 (VCV001905294.5), dbSNP rs2134595225, ClinGen allele CA379475645.